The following is an entry in ClinVar:

NM_014956.5(CEP164):c.735T>C (p.Ile245=)

Gene: CEP164 (centrosomal protein 164; plus strand). Cytogenetic location: 11q23.3.
Variant type: single nucleotide variant.
Coding change: c.735T>C on transcript NM_014956.5 (MANE Select); coding-DNA position 735, T replaced by C.
Protein change: p.Ile245=; no amino-acid change (isoleucine 245 retained).
Molecular consequence: synonymous variant. On other transcripts: intron variant (20).
Genome position (GRCh38, 1-based): chr11:117,363,476, T>C. VCF-style: chr11-117363476-T-C. GRCh37 (hg19) VCF-style: chr11-117234192-T-C.
Other names: c.735T>C, p.Ile245= (NM_001271933.2, NM_001440949.1, NM_001440950.1 and 16 more transcripts); c.597T>C, p.Ile199= (NM_001440960.1); c.687+938T>C (NM_001440972.1, NM_001440952.1, NM_001440987.1 and 17 more transcripts).
Identifiers: ClinVar variation 4999747 (VCV004999747.1).

ClinVar aggregate classification (germline): Likely benign (1 of 4 stars; one submission).

Conditions:
CEP164-related disorder. Also called: CEP164-related condition.

Submission:

PreventionGenetics, part of Exact Sciences
Classification: Likely benign for CEP164-related condition. Last evaluated: 2024-11-20. Review status: criteria provided, single submitter. Criteria: ACMG Guidelines, 2015. Collection method: clinical testing. Allele origin: germline.
Comment: This variant is classified as likely benign based on ACMG/AMP sequence variant interpretation guidelines (Richards et al. 2015 PMID: 25741868, with internal and published modifications).